The following is an entry in ClinVar:

ClinVar aggregate classification (germline): Conflicting classifications of pathogenicity. Review status: criteria provided, conflicting classifications (1 of 4 stars). 3 submissions from 3 submitters: Uncertain significance (2); Likely benign (1). Last evaluated 2023-09-15.

Conditions:
Hereditary breast ovarian cancer syndrome. Also called: Hereditary breast and ovarian cancer syndrome; BRCA1- and BRCA2-Associated Hereditary Breast and Ovarian Cancer; Breast and ovarian cancer; Hereditary breast and/or ovarian cancer syndrome; Hereditary breast and ovarian cancer; Hereditary breast and ovarian cancer syndrome (HBOC). Identifiers: Orphanet 145, MedGen C0677776, MeSH D061325, MONDO:0003582. Disease mechanism: loss of function.
Hereditary cancer-predisposing syndrome. Also called: Neoplastic Syndromes, Hereditary; Tumor predisposition; Hereditary Cancer Syndrome; Hereditary neoplastic syndrome. Identifiers: Orphanet 140162, MedGen C0027672, MeSH D009386, MONDO:0015356.

Submissions (3):

Ambry Genetics
Classification: Uncertain significance for Hereditary cancer-predisposing syndrome. Last evaluated: 2023-09-15. Review status: criteria provided, single submitter. Criteria: Ambry Variant Classification Scheme 2023. Collection method: clinical testing. Allele origin: germline.
Comment: The p.D1096Y variant (also known as c.3286G>T), located in coding exon 10 of the BRCA2 gene, results from a G to T substitution at nucleotide position 3286. The aspartic acid at codon 1096 is replaced by tyrosine, an amino acid with highly dissimilar properties. This amino acid position is well conserved in available vertebrate species. In addition, the in silico prediction for this alteration is inconclusive. Since supporting evidence is limited at this time, the clinical significance of this alteration remains unclear.

University of Washington Department of Laboratory Medicine, University of Washington
Classification: Likely benign for Hereditary cancer-predisposing syndrome. Last evaluated: 2023-03-23. Review status: criteria provided, single submitter. Criteria: Dines et al. (Genet Med. 2020). Collection method: curation. Allele origin: germline.
Comment: Missense variant in a coldspot region where missense variants are very unlikely to be pathogenic (PMID:31911673).

BRCA2 exon 11 coldspot. Reclassification based on statistical prior probability.

Labcorp Genetics (formerly Invitae), Labcorp
Classification: Uncertain significance for Hereditary breast ovarian cancer syndrome. Last evaluated: 2022-05-17. Review status: criteria provided, single submitter. Criteria: Invitae Variant Classification Sherloc (09022015). Collection method: clinical testing. Allele origin: germline.
Comment: Advanced modeling of protein sequence and biophysical properties (such as structural, functional, and spatial information, amino acid conservation, physicochemical variation, residue mobility, and thermodynamic stability) performed at Invitae indicates that this missense variant is not expected to disrupt BRCA2 protein function. In summary, the available evidence is currently insufficient to determine the role of this variant in disease. Therefore, it has been classified as a Variant of Uncertain Significance. ClinVar contains an entry for this variant (Variation ID: 234133). This sequence change replaces aspartic acid, which is acidic and polar, with tyrosine, which is neutral and polar, at codon 1096 of the BRCA2 protein (p.Asp1096Tyr). This variant is not present in population databases (gnomAD no frequency). This variant has not been reported in the literature in individuals affected with BRCA2-related conditions.

NM_000059.4(BRCA2):c.3286G>T (p.Asp1096Tyr)

Gene: BRCA2 (BRCA2 DNA repair associated; plus strand). Cytogenetic location: 13q13.1.
Variant type: single nucleotide variant.
Coding change: c.3286G>T on transcript NM_000059.4 (MANE Select); coding-DNA position 3286, G replaced by T.
Protein change: p.Asp1096Tyr; replaces aspartic acid 1096 with tyrosine.
Molecular consequence: missense variant.
Genome position (GRCh38, 1-based): chr13:32,337,641, G>T. VCF-style: chr13-32337641-G-T. GRCh37 (hg19) VCF-style: chr13-32911778-G-T.
Other names: short protein forms D1096Y.
Identifiers: ClinVar variation 234133 (VCV000234133.15), dbSNP rs876660870, ClinGen allele CA10579571.